The following is an entry in ClinVar:

NM_001164508.2(NEB):c.1470+1del

Gene: NEB (nebulin; minus strand). Cytogenetic location: 2q23.3.
Variant type: Deletion.
Coding change: c.1470+1del on transcript NM_001164508.2 (MANE Select); the canonical splice donor site of the intron after coding-DNA position 1470, one base deleted (G; older notation c.1470+1delG).
Molecular consequence: splice donor variant.
Genome position (GRCh38, 1-based): chr2:151,697,147, C deleted on the plus strand (G on the coding strand, the reverse complement: NEB is on the minus strand). VCF-style (leftmost placement, unchanged base first): chr2-151697146-AC-A. GRCh37 (hg19) VCF-style: chr2-152553660-AC-A.
Other names: c.1470+1del (NM_004543.5, NM_001164507.2, NM_001271208.2).
Identifiers: ClinVar variation 3619665 (VCV003619665.2).

ClinVar aggregate classification (germline): Likely pathogenic (1 of 4 stars; one submission).

Conditions:
Nemaline myopathy 2 (NEM2). Also called: Nemaline myopathy 2, autosomal recessive. Identifiers: MedGen C1850569, MONDO:0009725, OMIM 256030.

Submission:

Labcorp Genetics (formerly Invitae), Labcorp
Classification: Likely pathogenic for Nemaline myopathy 2. Last evaluated: 2024-09-10. Review status: criteria provided, single submitter. Criteria: Invitae Variant Classification Sherloc (09022015). Collection method: clinical testing. Allele origin: germline.
Comment: This sequence change affects a splice site in intron 16 of the NEB gene. It is expected to disrupt RNA splicing. Variants that disrupt the donor or acceptor splice site typically lead to a loss of protein function (PMID: 16199547), and loss-of-function variants in NEB are known to be pathogenic (PMID: 25205138). This variant is not present in population databases (gnomAD no frequency). This variant has not been reported in the literature in individuals affected with NEB-related conditions. Algorithms developed to predict the effect of sequence changes on RNA splicing suggest that this variant may disrupt the consensus splice site. In summary, the currently available evidence indicates that the variant is pathogenic, but additional data are needed to prove that conclusively. Therefore, this variant has been classified as Likely Pathogenic.

Literature cited by the submitters: PubMed 16199547; PubMed 25205138.